The following is an entry in ClinVar:

NM_000142.5(FGFR3):c.1339G>A (p.Glu447Lys)

Gene: FGFR3 (fibroblast growth factor receptor 3; plus strand). Cytogenetic location: 4p16.3.
Variant type: single nucleotide variant.
Coding change: c.1339G>A on transcript NM_000142.5 (MANE Select); coding-DNA position 1339, G replaced by A.
Protein change: p.Glu447Lys; replaces glutamic acid 447 with lysine.
Molecular consequence: missense variant. On other transcripts: non-coding transcript variant (1).
Genome position (GRCh38, 1-based): chr4:1,804,896, G>A. VCF-style: chr4-1804896-G-A. GRCh37 (hg19) VCF-style: chr4-1806623-G-A.
Other names: c.1345G>A, p.Glu449Lys (NM_001163213.2); c.1342G>A, p.Glu448Lys (NM_001354809.2, NM_001354810.2); c.1003G>A, p.Glu335Lys (NM_022965.4); short protein forms E335K, E447K, E448K, E449K.
Identifiers: ClinVar variation 4857783 (VCV004857783.2).

ClinVar aggregate classification (germline): Uncertain significance. Review status: criteria provided, multiple submitters, no conflicts (2 of 4 stars). 2 submissions from 2 submitters: Uncertain significance (2). Last evaluated 2026-06-23.

Conditions:
FGFR3-related chondrodysplasia. Identifiers: Orphanet 93420, MedGen C5681604, MONDO:0019685.

gnomAD v4.1: 1 of 1,550,086 alleles (0.000065%); highest among the groups gnomAD compares: Non-Finnish European, 0.000087%; no homozygotes.

Submissions (2):

Genomenon, Inc
Classification: Uncertain significance for FGFR3-related chondrodysplasia. Last evaluated: 2026-06-23. Review status: criteria provided, single submitter. Criteria: Genomenon Sequence Variant Interpretation Standards - Updated. Collection method: curation. Allele origin: germline. Affected: no.
Comment: FGFR3 p.Glu447Lys (c.1339G>A) is a missense variant that changes the amino acid at codon 447 from Glutamic acid to Lysine. This variant has been reported in the published literature (PMID:35210354). It is absent or not present at a significant frequency in gnomAD. In conclusion, we classify FGFR3 p.Glu447Lys (c.1339G>A) as a variant of uncertain significance.

Blueprint Genetics
Classification: Uncertain significance. Last evaluated: 2024-11-18. Review status: criteria provided, single submitter. Criteria: ACMG Guidelines, 2015. Collection method: clinical testing. Allele origin: germline.

Literature cited by the submitters: PubMed 35210354 (cited by Genomenon, Inc).